The following is an entry in ClinVar:

ClinVar aggregate classification (germline): Pathogenic. Review status: criteria provided, multiple submitters, no conflicts (2 of 4 stars). 2 submissions from 2 submitters: Pathogenic (2). Last evaluated 2025-03-18.

Conditions:
Becker muscular dystrophy, Cardiomyopathy, Duchenne muscular dystrophy, Dystrophin deficiency.
Becker muscular dystrophy (BMD). Also called: MUSCULAR DYSTROPHY, PSEUDOHYPERTROPHIC PROGRESSIVE, BECKER TYPE; Becker Muscular Dystrophy (BMD). Identifiers: Orphanet 98895, MedGen C0917713, MONDO:0010311, OMIM 300376.

Submissions (2):

Natera, Inc.
Classification: Pathogenic for Becker muscular dystrophy, Cardiomyopathy, Duchenne muscular dystrophy, Dystrophin deficiency. Last evaluated: 2025-03-18. Review status: criteria provided, single submitter. Criteria: Natera Variant Classification Schema (03/2026). Collection method: clinical testing. Allele origin: germline.
Comment: The c.394C>T variant in DMD is a nonsense variant predicted to introduce a stop codon at amino acid 132. This variant is expected to result in nonsense mediated decay, truncation, or a dysfunctional protein product. This variant is rare in the general population with a frequency below the threshold expected for the associated phenotype(s). This variant has been observed in affected individual(s) with monoallelic occurrence (heterozygous/hemizygous) (PMID: 30833962, 32559196). Given the available evidence, this variant is classified as Pathogenic.

Mendelics
Classification: Pathogenic for Becker muscular dystrophy. Last evaluated: 2022-05-04. Review status: criteria provided, single submitter. Criteria: Mendelics Assertion Criteria 2019. Collection method: clinical testing. Allele origin: germline.

Literature cited by the submitters: PubMed 30833962 (cited by Natera, Inc.); PubMed 32559196 (cited by Natera, Inc.).

NM_004006.3(DMD):c.394C>T (p.Gln132Ter)

Gene: DMD (dystrophin; minus strand). Cytogenetic location: Xp21.1.
Variant type: single nucleotide variant.
Coding change: c.394C>T on transcript NM_004006.3 (MANE Select); coding-DNA position 394, C replaced by T.
Protein change: p.Gln132Ter; replaces glutamine 132 with a stop codon.
Molecular consequence: nonsense.
Genome position (GRCh38, 1-based): chrX:32,816,604, G>A on the plus strand (C>T on the coding strand, the complement: DMD is on the minus strand). VCF-style: chrX-32816604-G-A. GRCh37 (hg19) VCF-style: chrX-32834721-G-A.
Other names: c.370C>T, p.Gln124Ter (NM_000109.4); c.382C>T, p.Gln128Ter (NM_004009.3); c.25C>T, p.Gln9Ter (NM_004010.3); short protein forms Q124*, Q128*, Q132*, Q9*.
Identifiers: ClinVar variation 1322486 (VCV001322486.4), dbSNP rs2148807584, ClinGen allele CA412674311.